The following is an entry in ClinVar:

ClinVar aggregate classification (germline): Uncertain significance (1 of 4 stars; one submission).

gnomAD v4.1: 2 of 1,614,066 alleles (0.00012%); highest among the groups gnomAD compares: Non-Finnish European, 0.00017%; no homozygotes.

Submission:

Labcorp Genetics (formerly Invitae), Labcorp
Classification: Uncertain significance. Last evaluated: 2024-01-02. Review status: criteria provided, single submitter. Criteria: Invitae Variant Classification Sherloc (09022015). Collection method: clinical testing. Allele origin: germline.
Comment: This sequence change replaces glycine, which is neutral and non-polar, with valine, which is neutral and non-polar, at codon 803 of the ADAMTS18 protein (p.Gly803Val). This variant is present in population databases (rs201737996, gnomAD 0.0009%). This variant has not been reported in the literature in individuals affected with ADAMTS18-related conditions. ClinVar contains an entry for this variant (Variation ID: 1934943). An algorithm developed to predict the effect of missense changes on protein structure and function (PolyPhen-2) suggests that this variant is likely to be tolerated. In summary, the available evidence is currently insufficient to determine the role of this variant in disease. Therefore, it has been classified as a Variant of Uncertain Significance.

NM_199355.4(ADAMTS18):c.2408G>T (p.Gly803Val)

Gene: ADAMTS18 (ADAM metallopeptidase with thrombospondin type 1 motif 18; minus strand). Cytogenetic location: 16q23.1.
Variant type: single nucleotide variant.
Coding change: c.2408G>T on transcript NM_199355.4 (MANE Select); coding-DNA position 2408, G replaced by T.
Protein change: p.Gly803Val; replaces glycine 803 with valine.
Molecular consequence: missense variant.
Genome position (GRCh38, 1-based): chr16:77,319,973, C>A on the plus strand (G>T on the coding strand, the complement: ADAMTS18 is on the minus strand). VCF-style: chr16-77319973-C-A. GRCh37 (hg19) VCF-style: chr16-77353870-C-A.
Other names: c.1892G>T, p.Gly631Val (NM_001326358.2); short protein forms G631V, G803V.
Identifiers: ClinVar variation 1934943 (VCV001934943.5), dbSNP rs201737996, ClinGen allele CA284390304.
Genomic context (GRCh38, chr16:77,319,973, plus strand): 5'-CGCTGGTATTCAAACGTGGTCCCAGCGAAGGGGAACTCCCCAGGCCAGTCGATGCTCCAG[C>A]CCCCGGTGAGGTAATACTTTTGACTGAGGCTTCGAACTGCGAGGTAACTGGAGGAAACCT-3'
Protein context (NP_955387.1, residues 793-813): SLSQKYYLTG[Gly803Val]WSIDWPGEFP